The following is an entry in ClinVar:

NM_005677.4(COLQ):c.460C>G (p.Pro154Ala)

Gene: COLQ (collagen like tail subunit of asymmetric acetylcholinesterase; minus strand). Cytogenetic location: 3p25.1.
Variant type: single nucleotide variant.
Coding change: c.460C>G on transcript NM_005677.4 (MANE Select); coding-DNA position 460, C replaced by G.
Protein change: p.Pro154Ala; replaces proline 154 with alanine.
Molecular consequence: missense variant.
Genome position (GRCh38, 1-based): chr3:15,477,131, G>C on the plus strand (C>G on the coding strand, the complement: COLQ is on the minus strand). VCF-style: chr3-15477131-G-C. GRCh37 (hg19) VCF-style: chr3-15518638-G-C.
Other names: c.430C>G, p.Pro144Ala (NM_080538.2); c.358C>G, p.Pro120Ala (NM_080539.4); short protein forms P144A, P120A, P154A.
Identifiers: ClinVar variation 950956 (VCV000950956.1), dbSNP rs755848079, ClinGen allele CA351599231.

ClinVar aggregate classification (germline): Uncertain significance (1 of 4 stars; one submission).

Conditions:
Congenital myasthenic syndrome 5. Identifiers: Orphanet 590, MedGen C1864233, MONDO:0011281, OMIM 603034.

Allele frequency attached by ClinVar (database versions not stated): gnomAD 0.00001; TOPMed 0.00001.
gnomAD v4.1: 1 of 1,600,800 alleles (0.000062%); highest among the groups gnomAD compares: African/African-American, 0.0013%; no homozygotes.

Submission:

Labcorp Genetics (formerly Invitae), Labcorp
Classification: Uncertain significance for Endplate acetylcholinesterase deficiency. Last evaluated: 2019-05-24. Review status: criteria provided, single submitter. Criteria: Invitae Variant Classification Sherloc (09022015). Collection method: clinical testing. Allele origin: germline.
Comment: This sequence change replaces proline with alanine at codon 154 of the COLQ protein (p.Pro154Ala). The proline residue is highly conserved and there is a small physicochemical difference between proline and alanine. This variant is not present in population databases (ExAC no frequency). This variant has not been reported in the literature in individuals with COLQ-related conditions. Algorithms developed to predict the effect of missense changes on protein structure and function are either unavailable or do not agree on the potential impact of this missense change (SIFT: "Tolerated"; PolyPhen-2: "Possibly Damaging"; Align-GVGD: "Class C0"). In summary, the available evidence is currently insufficient to determine the role of this variant in disease. Therefore, it has been classified as a Variant of Uncertain Significance.